The following is an entry in ClinVar:

ClinVar aggregate classification (germline): Uncertain significance. Review status: criteria provided, multiple submitters, no conflicts (2 of 4 stars). 3 submissions from 3 submitters: Uncertain significance (3). Last evaluated 2025-02-26.

Conditions:
Autosomal recessive limb-girdle muscular dystrophy type 2J (LGMDR10). Also called: Limb-girdle muscular dystrophy, type 2J; MUSCULAR DYSTROPHY, LIMB-GIRDLE, AUTOSOMAL RECESSIVE 10. Identifiers: Orphanet 140922, MedGen C1837342, MONDO:0012127, OMIM 608807.
Dilated cardiomyopathy 1G (CMD1G). Identifiers: Orphanet 154, MedGen C1858763, MONDO:0011400, OMIM 604145.

Allele frequency attached by ClinVar (database versions not stated): gnomAD exomes 0.00001; TOPMed 0.00001.
gnomAD v4.1: 5 of 1,610,086 alleles (0.00031%); highest among the groups gnomAD compares: Admixed American, 0.005%; no homozygotes.

Submissions (3):

GeneDx
Classification: Uncertain significance. Last evaluated: 2025-02-26. Review status: criteria provided, single submitter. Criteria: GeneDx Variant Classification Process June 2021. Collection method: clinical testing. Allele origin: germline. Affected: yes.
Comment: Not observed at significant frequency in large population cohorts (gnomAD); Missense variant in a gene in which most reported pathogenic variants are truncating/loss of function; Has not been previously published as pathogenic or benign to our knowledge

Revvity Omics, Revvity
Classification: Uncertain significance. Last evaluated: 2024-05-28. Review status: criteria provided, single submitter. Criteria: ACMG Guidelines, 2015. Collection method: clinical testing. Allele origin: germline.

Labcorp Genetics (formerly Invitae), Labcorp
Classification: Uncertain significance for Dilated cardiomyopathy 1G; Autosomal recessive limb-girdle muscular dystrophy type 2J. Last evaluated: 2016-01-28. Review status: criteria provided, single submitter. Criteria: Invitae Variant Classification Sherloc (09022015). Collection method: clinical testing. Allele origin: germline.

NM_001267550.2(TTN):c.62696A>G (p.Tyr20899Cys)

Genes: TTN (titin; minus strand), TTN-AS1 (TTN antisense RNA 1; plus strand). Cytogenetic location: 2q31.2.
Variant type: single nucleotide variant.
Coding change: c.62696A>G on transcript NM_001267550.2 (MANE Select); coding-DNA position 62696, A replaced by G.
Protein change: p.Tyr20899Cys; replaces tyrosine 20899 with cysteine.
Molecular consequence: missense variant.
Genome position (GRCh38, 1-based): chr2:178,589,029, T>C on the plus strand (A>G on the coding strand, the complement: TTN is on the minus strand). VCF-style: chr2-178589029-T-C. GRCh37 (hg19) VCF-style: chr2-179453756-T-C.
Other names: c.57773A>G, p.Tyr19258Cys (NM_001256850.1); c.35501A>G, p.Tyr11834Cys (NM_003319.4); c.54992A>G, p.Tyr18331Cys (NM_133378.4); c.35876A>G, p.Tyr11959Cys (NM_133432.3); c.36077A>G, p.Tyr12026Cys (NM_133437.4); c.62696A>G (NM_001267550.1); short protein forms Y20899C, Y11834C, Y19258C, Y11959C, Y12026C, Y18331C.
Identifiers: ClinVar variation 238820 (VCV000238820.4), dbSNP rs564111693, ClinGen allele CA10581853.